The following is an entry in ClinVar:

NM_001111.5(ADAR):c.2803G>C (p.Ala935Pro)

Gene: ADAR (adenosine deaminase RNA specific; minus strand). Cytogenetic location: 1q21.3.
Variant type: single nucleotide variant.
Coding change: c.2803G>C on transcript NM_001111.5 (MANE Select); coding-DNA position 2803, G replaced by C.
Protein change: p.Ala935Pro; replaces alanine 935 with proline.
Molecular consequence: missense variant.
Genome position (GRCh38, 1-based): chr1:154,588,633, C>G on the plus strand (G>C on the coding strand, the complement: ADAR is on the minus strand). VCF-style: chr1-154588633-C-G. GRCh37 (hg19) VCF-style: chr1-154561109-C-G.
Other names: c.1918G>C, p.Ala640Pro (NM_001025107.3, NM_001193495.2, NM_001365046.1 and 2 more transcripts); c.2830G>C, p.Ala944Pro (NM_001365045.1); c.1840G>C, p.Ala614Pro (NM_001365049.1); c.2725G>C, p.Ala909Pro (NM_015840.4); c.2668G>C, p.Ala890Pro (NM_015841.4); short protein forms A909P, A614P, A640P, A935P, A890P, A944P.
Identifiers: ClinVar variation 1359696 (VCV001359696.8), dbSNP rs1435318350, ClinGen allele CA342636412.
Genomic context (GRCh38, chr1:154,588,633, plus strand): 5'-CAGTCTTTTTTATTTGGAGCTTTTCTCCTCCCTTAGCAGGTTCAAATATACTATCCTTCG[C>G]AGTCTGGGAGTTGTATTTCATTAACTCACTGTAGAGAAACCTACAAAAAGAAAGTCTGGT-3'
Protein context (NP_001102.3, residues 925-945): SELMKYNSQT[Ala935Pro]KDSIFEPAKG

ClinVar aggregate classification (germline): Uncertain significance (1 of 4 stars; one submission).

Conditions:
Aicardi-Goutieres syndrome 6 (AGS6). Identifiers: Orphanet 51, MedGen C3539013, MONDO:0014007, OMIM 615010.
Symmetrical dyschromatosis of extremities (DSH). Also called: Dyschromatosis symmetrica hereditaria; RETICULATE ACROPIGMENTATION OF DOHI; SYMMETRIC DYSCHROMATOSIS OF THE EXTREMITIES; DYSCHROMATOSIS SYMMETRICA HEREDITARIA 1. Identifiers: Orphanet 41, MedGen C0406775, MONDO:0007483, OMIM 127400.

Submission:

Labcorp Genetics (formerly Invitae), Labcorp
Classification: Uncertain significance for Aicardi-Goutieres syndrome 6; Symmetrical dyschromatosis of extremities. Last evaluated: 2020-12-24. Review status: criteria provided, single submitter. Criteria: Invitae Variant Classification Sherloc (09022015). Collection method: clinical testing. Allele origin: germline.
Comment: Algorithms developed to predict the effect of missense changes on protein structure and function (SIFT, PolyPhen-2, Align-GVGD) all suggest that this variant is likely to be tolerated, but these predictions have not been confirmed by published functional studies and their clinical significance is uncertain. In summary, the available evidence is currently insufficient to determine the role of this variant in disease. Therefore, it has been classified as a Variant of Uncertain Significance. This variant has not been reported in the literature in individuals with ADAR-related conditions. This variant is not present in population databases (ExAC no frequency). This sequence change replaces alanine with proline at codon 935 of the ADAR protein (p.Ala935Pro). The alanine residue is moderately conserved and there is a small physicochemical difference between alanine and proline.